The following is an entry in ClinVar:

ClinVar aggregate classification (germline): Conflicting classifications of pathogenicity. Review status: criteria provided, conflicting classifications (1 of 4 stars). 2 submissions from 2 submitters: Uncertain significance (1); Benign (1). Last evaluated 2025-11-19.

Conditions:
Kabuki syndrome. Also called: Kabuki make-up syndrome; NIIKAWA-KUROKI SYNDROME. Identifiers: Orphanet 2322, MedGen C0796004, MONDO:0016512.
KMT2D-related disorder. Also called: KMT2D-Related Disorders.

Allele frequency attached by ClinVar (database versions not stated): ExAC 0.00001; gnomAD exomes 0.00001.
gnomAD v4.1: 3 of 1,612,938 alleles (0.00019%); highest among the groups gnomAD compares: Non-Finnish European, 0.00025%; no homozygotes.

Submissions (2):

PreventionGenetics, part of Exact Sciences
Classification: Uncertain significance for KMT2D-related condition. Last evaluated: 2025-11-19. Review status: criteria provided, single submitter. Criteria: ACMG Guidelines, 2015. Collection method: clinical testing. Allele origin: germline.
Comment: The KMT2D c.8235G>C variant is predicted to result in the amino acid substitution p.Lys2745Asn. To our knowledge, this variant has not been reported in the literature. This variant is reported in 0.0065% of alleles in individuals of African descent in gnomAD. At this time, the clinical significance of this variant is uncertain due to the absence of conclusive functional and genetic evidence.

Labcorp Genetics (formerly Invitae), Labcorp
Classification: Benign for Kabuki syndrome. Last evaluated: 2025-07-23. Review status: criteria provided, single submitter. Criteria: Invitae Variant Classification Sherloc (09022015). Collection method: clinical testing. Allele origin: germline.

NM_003482.4(KMT2D):c.8235G>C (p.Lys2745Asn)

Gene: KMT2D (lysine methyltransferase 2D; minus strand). Cytogenetic location: 12q13.12.
Variant type: single nucleotide variant.
Coding change: c.8235G>C on transcript NM_003482.4 (MANE Select); coding-DNA position 8235, G replaced by C.
Protein change: p.Lys2745Asn; replaces lysine 2745 with asparagine.
Molecular consequence: missense variant.
Genome position (GRCh38, 1-based): chr12:49,039,353, C>G on the plus strand (G>C on the coding strand, the complement: KMT2D is on the minus strand). VCF-style: chr12-49039353-C-G. GRCh37 (hg19) VCF-style: chr12-49433136-C-G.
Other names: short protein forms K2745N.
Identifiers: ClinVar variation 2920333 (VCV002920333.4), dbSNP rs544472113, ClinGen allele CA6546880.
Genomic context (GRCh38, chr12:49,039,353, plus strand): 5'-GGACCCTGGCCCCAGGATGGGGCCACTCAGCTTGCTTGGGGGCAACCCCACAAGGCTGCT[C>G]TTGTCCTAGAAGAGACAAGGTAGATGAAGGTGGAGCAACCTTCAATATCCTGGCCCCACT-3'
Protein context (NP_003473.3, residues 2735-2755): GQTPFAGTQD[Lys2745Asn]SSLVGLPPSK